The following is an entry in ClinVar:

NM_018129.4(PNPO):c.139-310G>A

Gene: PNPO (pyridoxamine 5'-phosphate oxidase; plus strand). Cytogenetic location: 17q21.32.
Variant type: single nucleotide variant.
Coding change: c.139-310G>A on transcript NM_018129.4 (MANE Select); 310 bases into the intron before coding-DNA position 139, G replaced by A.
Molecular consequence: intron variant.
Genome position (GRCh38, 1-based): chr17:47,942,996, G>A. VCF-style: chr17-47942996-G-A. GRCh37 (hg19) VCF-style: chr17-46020362-G-A.
Identifiers: ClinVar variation 669958 (VCV000669958.1), dbSNP rs77084317, ClinGen allele CA291293959.

ClinVar aggregate classification (germline): Benign (1 of 4 stars; one submission).

Allele frequency attached by ClinVar (database versions not stated): 1000 Genomes Project 0.02376; gnomAD 0.02535 and 0.02728; 1000 Genomes Project 30x 0.02639; TOPMed 0.02797.
gnomAD v4.1: 3,821 of 152,242 alleles (2.5%); highest among the groups gnomAD compares: African/African-American, 8.7%; 150 homozygotes.

Submission:

GeneDx
Classification: Benign. Last evaluated: 2018-06-14. Review status: criteria provided, single submitter. Criteria: GeneDx Variant Classification (06012015). Collection method: clinical testing. Allele origin: germline. Affected: yes.
Comment: This variant is considered likely benign or benign based on one or more of the following criteria: it is a conservative change, it occurs at a poorly conserved position in the protein, it is predicted to be benign by multiple in silico algorithms, and/or has population frequency not consistent with disease.